The following is an entry in ClinVar:

NM_000071.3(CBS):c.939G>A (p.Thr313=)

Gene: CBS (cystathionine beta-synthase; minus strand). Cytogenetic location: 21q22.3.
Variant type: single nucleotide variant.
Coding change: c.939G>A on transcript NM_000071.3 (MANE Select); coding-DNA position 939, G replaced by A.
Protein change: p.Thr313=; no amino-acid change (threonine 313 retained).
Molecular consequence: synonymous variant.
Genome position (GRCh38, 1-based): chr21:43,062,968, C>T on the plus strand (G>A on the coding strand, the complement: CBS is on the minus strand). VCF-style: chr21-43062968-C-T. GRCh37 (hg19) VCF-style: chr21-44483078-C-T.
Other names: p.T313T:ACG>ACA; p.Thr313=; c.939G>A, p.Thr313= (NM_001178008.3, NM_001178009.3, NM_001320298.2); c.624G>A, p.Thr208= (NM_001321072.1).
Identifiers: ClinVar variation 212824 (VCV000212824.36), dbSNP rs2228298, ClinGen allele CA321864.

ClinVar aggregate classification (germline): Benign/Likely benign. Review status: criteria provided, multiple submitters, no conflicts (2 of 4 stars). 11 submissions from 11 submitters: Benign (4); Likely benign (7). Last evaluated 2026-03-27.

Conditions:
CBS-related disorder. Also called: CBS-related condition.
Familial thoracic aortic aneurysm and aortic dissection (TAAD). Also called: Thoracic aortic aneurysms and dissections. Identifiers: Orphanet 91387, MedGen C4707243, MONDO:0019625.
Classic homocystinuria. Also called: Homocystinuria due to CBS deficiency; Cystathionine beta-synthase deficiency; CBS deficiency; Homocystinuria due to Cystathionine Beta-Synthase Deficiency; HOMOCYSTINURIA WITH OR WITHOUT RESPONSE TO PYRIDOXINE. Identifiers: Orphanet 394, MedGen C0751202, MONDO:0009352, OMIM 236200.
HYPERHOMOCYSTEINEMIA, THROMBOTIC, CBS-RELATED. Identifiers: MedGen C3150344, OMIM 236200.

Allele frequency attached by ClinVar (database versions not stated): gnomAD exomes 0.00045; ExAC 0.00060; 1000 Genomes Project 0.00080; gnomAD 0.00204; ESP Exome Variant Server 0.00208.

Submissions (11):

Molecular Diagnostic Laboratory for Inherited Cardiovascular Disease, Montreal Heart Institute
Classification: Likely benign. Last evaluated: 2026-03-27. Review status: criteria provided, single submitter. Criteria: ACMG Guidelines, 2015. Collection method: clinical testing. Allele origin: germline. Affected: no.
Comment: BS1;BP7

Labcorp Genetics (formerly Invitae), Labcorp
Classification: Benign for HYPERHOMOCYSTEINEMIA, THROMBOTIC, CBS-RELATED. Last evaluated: 2026-02-04. Review status: criteria provided, single submitter. Criteria: Invitae Variant Classification Sherloc (09022015). Collection method: clinical testing. Allele origin: germline.

Mayo Clinic Laboratories, Mayo Clinic
Classification: Likely benign. Last evaluated: 2025-02-14. Review status: criteria provided, single submitter. Criteria: ACMG Guidelines, 2015. Collection method: clinical testing. Allele origin: germline. Observed: 1 variant allele.
Comment: BP4, BP7

ARUP Laboratories, Molecular Genetics and Genomics, ARUP Laboratories
Classification: Likely benign. Last evaluated: 2024-09-24. Review status: criteria provided, single submitter. Criteria: ARUP Molecular Germline Variant Investigation Process 2024. Collection method: clinical testing. Allele origin: germline.

Blueprint Genetics
Classification: Likely benign. Last evaluated: 2024-05-23. Review status: criteria provided, single submitter. Criteria: ACMG Guidelines, 2015. Collection method: clinical testing. Allele origin: germline.

Women's Health and Genetics/Laboratory Corporation of America, LabCorp
Classification: Likely benign. Last evaluated: 2023-07-21. Review status: criteria provided, single submitter. Criteria: LabCorp Variant Classification Summary - May 2015. Collection method: clinical testing. Allele origin: germline.

PreventionGenetics, part of Exact Sciences
Classification: Likely benign for CBS-related condition. Last evaluated: 2019-05-02. Review status: criteria provided, single submitter. Criteria: ACMG Guidelines, 2015. Collection method: clinical testing. Allele origin: germline.
Comment: This variant is classified as likely benign based on ACMG/AMP sequence variant interpretation guidelines (Richards et al. 2015 PMID: 25741868, with internal and published modifications).

Ambry Genetics
Classification: Benign for Familial thoracic aortic aneurysm and aortic dissection. Last evaluated: 2017-12-14. Review status: criteria provided, single submitter. Criteria: Ambry Variant Classification Scheme 2023. Collection method: clinical testing. Allele origin: germline.

Illumina Laboratory Services, Illumina
Classification: Benign for Classic homocystinuria. Last evaluated: 2017-07-13. Review status: criteria provided, single submitter. Criteria: ICSL Variant Classification Criteria 13 December 2019. Collection method: clinical testing. Allele origin: germline.
Comment: This variant was observed as part of a predisposition screen in an ostensibly healthy population. A literature search was performed for the gene, cDNA change, and amino acid change (where applicable). Publications were found based on this search. The evidence from the literature, in combination with allele frequency data from public databases where available, was sufficient to rule this variant out of causing disease. Therefore, this variant is classified as benign.

Eurofins Ntd Llc (ga)
Classification: Likely benign. Last evaluated: 2015-11-16. Review status: criteria provided, single submitter. Criteria: EGL Classification Definitions 2015. Collection method: clinical testing. Allele origin: germline. Observed: 2 variant alleles, 2 heterozygotes.

GeneDx
Classification: Benign. Last evaluated: 2014-07-22. Review status: criteria provided, single submitter. Criteria: GeneDx Variant Classification (06012015). Collection method: clinical testing. Allele origin: germline. Affected: yes.
Comment: This variant is considered likely benign or benign based on one or more of the following criteria: it is a conservative change, it occurs at a poorly conserved position in the protein, it is predicted to be benign by multiple in silico algorithms, and/or has population frequency not consistent with disease.

Literature cited by the submitters: PubMed 21957013 (cited by Mayo Clinic Laboratories, Mayo Clinic and Illumina Laboratory Services, Illumina).